The following is an entry in ClinVar:

ClinVar aggregate classification (germline): Pathogenic/Likely pathogenic. Review status: criteria provided, multiple submitters, no conflicts (2 of 4 stars). 11 submissions from 11 submitters: Pathogenic (6); Likely pathogenic (3). 2 of the submissions do not count toward it. Last evaluated 2025-12-23.

Conditions:
CFTR-related disorder (CFTR-RD). Also called: CFTR-related condition; CFTR-related disorders. Identifiers: MedGen C5924204, MONDO:7770004.
Hereditary pancreatitis (PCTT). Also called: PRSS1-Related Hereditary Pancreatitis; Hereditary chronic pancreatitis. Identifiers: Orphanet 676, MedGen C0238339, MONDO:0008185, OMIM 167800.
Congenital bilateral aplasia of vas deferens from CFTR mutation (CBAVD). Identifiers: Orphanet 48, MedGen C0403814, MONDO:0010178, OMIM 277180. Disease mechanism: loss of function.
Cystic fibrosis (CF). Also called: MUCOVISCIDOSIS. Identifiers: Orphanet 586, MedGen C0010674, MONDO:0009061, OMIM 219700. Disease mechanism: loss of function.
Bronchiectasis with or without elevated sweat chloride 1 (BESC1). Also called: Cystic Fibrosis-Like Syndrome. Identifiers: Orphanet 60033, MedGen C2749757, MONDO:0008887, OMIM 211400.

Allele frequency attached by ClinVar (database versions not stated): TOPMed 0.00004.
gnomAD v4.1: 28 of 1,613,590 alleles (0.0017%); highest among the groups gnomAD compares: Non-Finnish European, 0.0021%; no homozygotes.

Submissions 1 to 6 of 11:

Natera, Inc.
Classification: Pathogenic for CFTR-related disorders. Last evaluated: 2025-12-23. Review status: criteria provided, single submitter. Criteria: Natera Variant Classification Schema (03/2026). Collection method: clinical testing. Allele origin: germline.
Comment: The c.350G>T variant in CFTR is a missense variant predicted to cause substitution of arginine to leucine at amino acid 117. This variant is rare in the general population with a frequency below the threshold expected for the associated phenotype(s). This variant has been observed in one or more individuals affected with the associated recessive disease, as either homozygous or compound heterozygous with a second variant (PMID: 10970190, 28751714, 12829453). Functional studies show that this variant may disrupt protein function (PMID: 38388235). A different variant at the same position has been determined to be Pathogenic or Likely Pathogenic. Computational prediction algorithms indicate this variant is likely to affect gene or protein function. Given the available evidence, this variant is classified as Pathogenic.

Labcorp Genetics (formerly Invitae), Labcorp
Classification: Pathogenic for Cystic fibrosis. Last evaluated: 2025-10-31. Review status: criteria provided, single submitter. Criteria: Invitae Variant Classification Sherloc (09022015). Collection method: clinical testing. Allele origin: germline.
Comment: This sequence change replaces arginine, which is basic and polar, with leucine, which is neutral and non-polar, at codon 117 of the CFTR protein (p.Arg117Leu). The frequency data for this variant in the population databases is considered unreliable, as metrics indicate poor data quality at this position in the gnomAD database. This missense change has been observed in individual(s) with CFTR-related disorders (PMID: 20706124, 27738188). This variant is also known as c.482G>T (p.Arg117Leu). ClinVar contains an entry for this variant (Variation ID: 53765). Invitae Evidence Modeling of protein sequence and biophysical properties (such as structural, functional, and spatial information, amino acid conservation, physicochemical variation, residue mobility, and thermodynamic stability) indicates that this missense variant is not expected to disrupt CFTR protein function with a negative predictive value of 80%. Experimental studies have shown that this missense change affects CFTR function (PMID: 11278813, 30046002). This variant disrupts the p.Arg117 amino acid residue in CFTR. Other variant(s) that disrupt this residue have been determined to be pathogenic (PMID: 7525450, 15482777, 21783433, 22658665, 23974870, 24586523). This suggests that this residue is clinically significant, and that variants that disrupt this residue are likely to be disease-causing. For these reasons, this variant has been classified as Pathogenic.

Quest Diagnostics Nichols Institute San Juan Capistrano
Classification: Likely pathogenic. Last evaluated: 2025-08-29. Review status: criteria provided, single submitter. Criteria: Quest Diagnostics criteria. Collection method: clinical testing. Allele origin: unknown.
Comment: The CFTR c.350G>T (p.Arg117Leu) variant has been reported in the published literature in individuals affected with cystic fibrosis (PMIDs: 7541510 (1995), 30509709 (2018), 34782259 (2021), 32483343 (2020) and LOVD). It has been described to have varying phenotypes in different individuals from mild CF to CFTR-related diseases (see CFTR2, CFTR-France, and PMID: 38203285 (2023)). This variant having partial function may be consistent with variable clinical presentation. Functional studies have observed the variant to have significantly reduced chloride conductance activity, approximately 12% compared to the wild-type, that improved with drug modulators to approximately 54% activity (PMID: 38388235 (2024) and CFTR2). In some affected individuals, this variant is part of a complex allele where it is found on the same chromosome with c.2991G>C (p.Leu997Phe) (PMIDs: 20706124 (2010), 27738188 (2016), 30577776 (2018), 32060344 (2020)) and was shown to have approximately 3% baseline conductance improved to 18% with drug modulators (PMID: 38388235 (2024)). Other missense changes at the p.Arg117 amino acid position have been reported as pathogenic, including the well-characterized p.Arg117His variant. The frequency of this variant in the general population (Genome Aggregation Database) is consistent with pathogenicity. Analysis of this variant using bioinformatics tools for the prediction of the effect of amino acid changes on protein structure and function yielded predictions that this variant is damaging. Based on the available information, this variant is classified as likely pathogenic.

PreventionGenetics, part of Exact Sciences
Classification: Likely pathogenic for CFTR-related condition. Last evaluated: 2025-06-20. Review status: criteria provided, single submitter. Criteria: ACMG Guidelines, 2015. Collection method: clinical testing. Allele origin: germline.
Comment: The CFTR c.350G>T variant is predicted to result in the amino acid substitution p.Arg117Leu. This variant has been reported in individuals with cystic fibrosis and CFTR-related disorders, and functional studies support its pathogenicity (Ferec et al. 1995. PubMed ID: 7541510; Lucarelli et al. 2010. PubMed ID: 20706124; Terlizzi et al. 2016. PubMed ID: 27738188; Hämmerle et al. 2001. PubMed ID: 11278813; Han et al. 2018. PubMed ID: 30046002). Multiple other variants affecting this amino acid have been documented as causative (p.Arg117Cys, p.Arg117His, p.Arg117Gly, p.Arg117Pro; Human Gene Mutation Database). This variant is reported in 0.0033% of alleles in individuals of South Asian descent in gnomAD. It is documented in ClinVar with the majority of classifications being Likely Pathogenic or Pathogenic. This variant is interpreted as likely pathogenic.

Women's Health and Genetics/Laboratory Corporation of America, LabCorp
Classification: Pathogenic for Cystic fibrosis. Last evaluated: 2025-05-29. Review status: criteria provided, single submitter. Criteria: LabCorp Variant Classification Summary - May 2015. Collection method: clinical testing. Allele origin: germline.
Comment: Variant summary: CFTR c.350G>T (p.Arg117Leu) results in a non-conservative amino acid change located in the ABC transporter type 1, transmembrane domain (IPR011527) of the encoded protein sequence. Algorithms developed to predict the effect of missense changes on protein structure and function all suggest that this variant is likely to be disruptive. The variant allele was found at a frequency of 1.2e-05 in 250954 control chromosomes. c.350G>T has been observed in individual(s) affected with Cystic Fibrosis (Ferec_1995, Wallace_2003, D'Apice_2004, Raraigh_2022). Several investigators have also reported that this variant is part of a complex allele with CFTR c.2991G>C (p.Leu997Phe) in patients with cystic fibrosis (Lucarelli_2010, Lucarelli_2015, Terlizzi_2016). Clinical evaluation of patients showed that p.Leu997Phe could be associated to CFTR-RD while the p.[Arg117Leu;Leu997Phe] is associated with a mild CF phenotype (Lucarelli_2010). The p.Leu997Phe variant, however, is found at a much higher frequency in controls (approximately 0.0022 in the gnomAD database). A different variant affecting the same codon has been classified as likely pathogenic/pathogenic by our lab (c.349C>G, p.Arg117Gly), supporting the critical relevance of codon 117 to CFTR protein function. Multiple publications report experimental evidence evaluating an impact on protein function (Hammerle_2001, Han_2018, Bihler_2024). The most pronounced variant effect resulted in approximately 12% of normal chloride channel conductance relative to wild type (Bihler_2024). The following publications have been ascertained in the context of this evaluation (PMID: 38388235, 15084222, 7541510, 11278813, 30046002, 20706124, 25910067, 12014388, 34782259, 27738188, 12829453). ClinVar contains an entry for this variant (Variation ID: 53765). Based on the evidence outlined above, the variant was classified as pathogenic.

Baylor Genetics
Classification: Pathogenic for Bronchiectasis with or without elevated sweat chloride 1. Last evaluated: 2023-09-30. Review status: criteria provided, single submitter. Criteria: ACMG Guidelines, 2015. Collection method: clinical testing. Allele origin: unknown.

NM_000492.4(CFTR):c.350G>T (p.Arg117Leu)

Gene: CFTR (CF transmembrane conductance regulator; plus strand). Cytogenetic location: 7q31.2.
Variant type: single nucleotide variant.
Coding change: c.350G>T on transcript NM_000492.4 (MANE Select); coding-DNA position 350, G replaced by T.
Protein change: p.Arg117Leu; replaces arginine 117 with leucine.
Molecular consequence: missense variant.
Genome position (GRCh38, 1-based): chr7:117,530,975, G>T. VCF-style: chr7-117530975-G-T. GRCh37 (hg19) VCF-style: chr7-117171029-G-T.
Other names: short protein forms R117L.
Identifiers: ClinVar variation 53765 (VCV000053765.32), dbSNP rs78655421, ClinGen allele CA327222.